The following is an entry in ClinVar:

ClinVar aggregate classification (germline): Uncertain significance (1 of 4 stars; one submission).

gnomAD v4.1: 1 of 1,613,840 alleles (0.000062%); no homozygotes.

Submission:

Labcorp Genetics (formerly Invitae), Labcorp
Classification: Uncertain significance. Last evaluated: 2022-08-08. Review status: criteria provided, single submitter. Criteria: Invitae Variant Classification Sherloc (09022015). Collection method: clinical testing. Allele origin: germline.
Comment: This variant is not present in population databases (gnomAD no frequency). This sequence change replaces serine, which is neutral and polar, with asparagine, which is neutral and polar, at codon 429 of the IFT52 protein (p.Ser429Asn). This variant has not been reported in the literature in individuals affected with IFT52-related conditions. In summary, the available evidence is currently insufficient to determine the role of this variant in disease. Therefore, it has been classified as a Variant of Uncertain Significance. Algorithms developed to predict the effect of missense changes on protein structure and function output the following: SIFT: "Not Available"; PolyPhen-2: "Benign"; Align-GVGD: "Not Available". The asparagine amino acid residue is found in multiple mammalian species, which suggests that this missense change does not adversely affect protein function.

NM_016004.5(IFT52):c.1286G>A (p.Ser429Asn)

Gene: IFT52 (intraflagellar transport 52; plus strand). Cytogenetic location: 20q13.12.
Variant type: single nucleotide variant.
Coding change: c.1286G>A on transcript NM_016004.5 (MANE Select); coding-DNA position 1286, G replaced by A.
Protein change: p.Ser429Asn; replaces serine 429 with asparagine.
Molecular consequence: missense variant. On other transcripts: 3 prime UTR variant (1).
Genome position (GRCh38, 1-based): chr20:43,646,955, G>A. VCF-style: chr20-43646955-G-A. GRCh37 (hg19) VCF-style: chr20-42275595-G-A.
Other names: c.1286G>A, p.Ser429Asn (NM_001303458.3); c.*18G>A (NM_001303459.3); c.758G>A, p.Ser253Asn (NM_001323578.2, NM_001323580.2); c.635G>A, p.Ser212Asn (NM_001323579.2, NM_001323581.2); short protein forms S212N, S253N, S429N.
Identifiers: ClinVar variation 1953170 (VCV001953170.5), dbSNP rs1986244295, ClinGen allele CA409087554.